The following is an entry in ClinVar:

NM_024494.3(WNT2B):c.457G>A (p.Ala153Thr)

Gene: WNT2B (Wnt family member 2B; plus strand). Cytogenetic location: 1p13.2.
Variant type: single nucleotide variant.
Coding change: c.457G>A on transcript NM_024494.3 (MANE Select); coding-DNA position 457, G replaced by A.
Protein change: p.Ala153Thr; replaces alanine 153 with threonine.
Molecular consequence: missense variant.
Genome position (GRCh38, 1-based): chr1:112,516,193, G>A. VCF-style: chr1-112516193-G-A. GRCh37 (hg19) VCF-style: chr1-113058815-G-A.
Other names: c.181G>A, p.Ala61Thr (NM_001291880.1); c.400G>A, p.Ala134Thr (NM_004185.4); short protein forms A61T, A134T, A153T.
Identifiers: ClinVar variation 2045490 (VCV002045490.2), dbSNP rs150473635, ClinGen allele CA1008267.

ClinVar aggregate classification (germline): Uncertain significance. Review status: criteria provided, multiple submitters, no conflicts (2 of 4 stars). 2 submissions from 2 submitters: Uncertain significance (2). Last evaluated 2022-08-02.

Conditions:
Diarrhea 9. Identifiers: MedGen C4748517, MONDO:0032575, OMIM 618168.

Allele frequency attached by ClinVar (database versions not stated): gnomAD exomes 0.00004; gnomAD 0.00006; ExAC 0.00007; TOPMed 0.00007; ESP Exome Variant Server 0.00015.

Submissions (2):

Labcorp Genetics (formerly Invitae), Labcorp
Classification: Uncertain significance. Last evaluated: 2022-08-02. Review status: criteria provided, single submitter. Criteria: Invitae Variant Classification Sherloc (09022015). Collection method: clinical testing. Allele origin: germline.
Comment: This sequence change replaces alanine, which is neutral and non-polar, with threonine, which is neutral and polar, at codon 153 of the WNT2B protein (p.Ala153Thr). This variant is present in population databases (rs150473635, gnomAD 0.1%). This variant has not been reported in the literature in individuals affected with WNT2B-related conditions. Algorithms developed to predict the effect of missense changes on protein structure and function (SIFT, PolyPhen-2, Align-GVGD) all suggest that this variant is likely to be disruptive. In summary, the available evidence is currently insufficient to determine the role of this variant in disease. Therefore, it has been classified as a Variant of Uncertain Significance.

Department of Pathology and Laboratory Medicine, Sinai Health System
Classification: Uncertain significance for Diarrhea 9. Last evaluated: 2021-07-30. Review status: criteria provided, single submitter. Criteria: ACMG Guidelines, 2015. Collection method: research. Allele origin: germline.